The following is an entry in ClinVar:

ClinVar aggregate classification (germline): Uncertain significance. Review status: criteria provided, multiple submitters, no conflicts (2 of 4 stars). 2 submissions from 2 submitters: Uncertain significance (2). Last evaluated 2026-01-07.

Allele frequency attached by ClinVar (database versions not stated): gnomAD 0.00003; gnomAD exomes 0.00001; TOPMed 0.00001.
gnomAD v4.1: 25 of 1,612,090 alleles (0.0016%); highest among the groups gnomAD compares: Non-Finnish European, 0.0019%; no homozygotes.

Submissions (2):

Labcorp Genetics (formerly Invitae), Labcorp
Classification: Uncertain significance. Last evaluated: 2026-01-07. Review status: criteria provided, single submitter. Criteria: Invitae Variant Classification Sherloc (09022015). Collection method: clinical testing. Allele origin: germline.
Comment: This sequence change replaces methionine, which is neutral and non-polar, with isoleucine, which is neutral and non-polar, at codon 67 of the SLC51B protein (p.Met67Ile). This variant is present in population databases (no rsID available, gnomAD 0.02%). This variant has not been reported in the literature in individuals affected with SLC51B-related conditions. ClinVar contains an entry for this variant (Variation ID: 3165171). An algorithm developed to predict the effect of missense changes on protein structure and function outputs the following: PolyPhen-2: "Benign". The isoleucine amino acid residue is found in multiple mammalian species, which suggests that this missense change does not adversely affect protein function. In summary, the available evidence is currently insufficient to determine the role of this variant in disease. Therefore, it has been classified as a Variant of Uncertain Significance.

Ambry Genetics
Classification: Uncertain significance. Last evaluated: 2024-01-29. Review status: criteria provided, single submitter. Criteria: Ambry Variant Classification Scheme 2023. Collection method: clinical testing. Allele origin: germline.

NM_178859.4(SLC51B):c.201G>A (p.Met67Ile)

Genes: RASL12 (RAS like family 12; minus strand), SLC51B (SLC51 subunit beta; plus strand). Cytogenetic location: 15q22.31.
Variant type: single nucleotide variant.
Coding change: c.201G>A on transcript NM_178859.4 (MANE Select); coding-DNA position 201, G replaced by A.
Protein change: p.Met67Ile; replaces methionine 67 with isoleucine.
Molecular consequence: missense variant.
Genome position (GRCh38, 1-based): chr15:65,052,978, G>A. VCF-style: chr15-65052978-G-A. GRCh37 (hg19) VCF-style: chr15-65345316-G-A.
Other names: short protein forms M67I.
Identifiers: ClinVar variation 3165171 (VCV003165171.2), dbSNP rs1329928303, ClinGen allele CA392842325.